The following is an entry in ClinVar:

NM_002439.5(MSH3):c.1452A>T (p.Lys484Asn)

Gene: MSH3 (mutS homolog 3; plus strand). Cytogenetic location: 5q14.1.
Variant type: single nucleotide variant.
Coding change: c.1452A>T on transcript NM_002439.5 (MANE Select); coding-DNA position 1452, A replaced by T.
Protein change: p.Lys484Asn; replaces lysine 484 with asparagine.
Molecular consequence: missense variant.
Genome position (GRCh38, 1-based): chr5:80,725,564, A>T. VCF-style: chr5-80725564-A-T. GRCh37 (hg19) VCF-style: chr5-80021383-A-T.
Other names: short protein forms K484N.
Identifiers: ClinVar variation 1772975 (VCV001772975.2), dbSNP rs1474053571, ClinGen allele CA360273782.

ClinVar aggregate classification (germline): Uncertain significance (1 of 4 stars; one submission).

Conditions:
Hereditary cancer-predisposing syndrome. Also called: Hereditary Cancer Syndrome; Hereditary neoplastic syndrome; Neoplastic Syndromes, Hereditary; Tumor predisposition. Identifiers: Orphanet 140162, MedGen C0027672, MeSH D009386, MONDO:0015356.

Submission:

Ambry Genetics
Classification: Uncertain significance for Hereditary cancer-predisposing syndrome. Last evaluated: 2021-05-14. Review status: criteria provided, single submitter. Criteria: Ambry Variant Classification Scheme 2023. Collection method: clinical testing. Allele origin: germline.
Comment: The p.K484N variant (also known as c.1452A>T), located in coding exon 9 of the MSH3 gene, results from an A to T substitution at nucleotide position 1452. The lysine at codon 484 is replaced by asparagine, an amino acid with similar properties. This amino acid position is not well conserved in available vertebrate species. In addition, this alteration is predicted to be tolerated by in silico analysis. Since supporting evidence is limited at this time, the clinical significance of this alteration remains unclear.